The following is an entry in ClinVar:

ClinVar aggregate classification (germline): other (0 of 4 stars; one submission).

Conditions:
Familial colorectal cancer. Identifiers: MedGen CN280943, MONDO:0023113. Disease mechanism: loss of function.

Allele frequency attached by ClinVar (database versions not stated): gnomAD 0.00010.
gnomAD v4.1: 2 of 20,080 alleles (0.01%); highest among the groups gnomAD compares: Non-Finnish European, 0.024%; no homozygotes.

Submission:

Systems Biology Platform Zhejiang California International NanoSystems Institute
Classification: other for Familial colorectal cancer. Review status: no assertion criteria provided. Collection method: not provided. Allele origin: unknown.
ClinVar note: Converted during submission from cancer to other.

NM_000038.6(APC):c.729+970A>T

Gene: APC (APC regulator of WNT signaling pathway; plus strand). Cytogenetic location: 5q22.2.
Variant type: single nucleotide variant.
Coding change: c.729+970A>T on transcript NM_000038.6 (MANE Select); 970 bases into the intron after coding-DNA position 729, A replaced by T.
Molecular consequence: intron variant.
Genome position (GRCh38, 1-based): chr5:112,793,499, A>T. VCF-style: chr5-112793499-A-T. GRCh37 (hg19) VCF-style: chr5-112129196-A-T.
Other names: c.729+970A>T (NM_001354895.2, NM_001127510.3, NM_001354896.2 and 1 more transcripts); c.759+970A>T (NM_001354897.2, NM_001354902.2); c.676-7780A>T (NM_001127511.3); c.654+970A>T (NM_001354898.2, NM_001354904.2); c.-307+970A>T (NM_001354906.2); c.646-7780A>T (NM_001354899.2); c.552+970A>T (NM_001354900.2, NM_001354901.2, NM_001354905.2).
Identifiers: ClinVar variation 82483 (VCV000082483.2), dbSNP rs79631489, ClinGen allele CA013278.
Genomic context (GRCh38, chr5:112,793,499, plus strand): 5'-GGGAGAAAAAAAATCAGAAGAATGTGACTAACCCAAGAAAAAAAACTTAAAGAGACTTAC[A>T]TGGAAAAATTCACCCAACAAAACAACCCACCTAGATCACCCTATAGGGTAATATAGTTGA-3'